The following is an entry in ClinVar:

NM_024675.4(PALB2):c.3461T>A (p.Val1154Asp)

Gene: PALB2 (partner and localizer of BRCA2; minus strand). Cytogenetic location: 16p12.2.
Variant type: single nucleotide variant.
Coding change: c.3461T>A on transcript NM_024675.4 (MANE Select); coding-DNA position 3461, T replaced by A.
Protein change: p.Val1154Asp; replaces valine 1154 with aspartic acid.
Molecular consequence: missense variant. On other transcripts: 3 prime UTR variant (5).
Genome position (GRCh38, 1-based): chr16:23,603,559, A>T on the plus strand (T>A on the coding strand, the complement: PALB2 is on the minus strand). VCF-style: chr16-23603559-A-T. GRCh37 (hg19) VCF-style: chr16-23614880-A-T.
Other names: c.2576T>A, p.Val859Asp (NM_001407305.1, NM_001407306.1, NM_001407304.1); c.2414T>A, p.Val805Asp (NM_001407307.1); c.2339T>A, p.Val780Asp (NM_001407308.1, NM_001407309.1); c.*96T>A (NM_001407310.1, NM_001407311.1, NM_001407301.1 and 2 more transcripts); c.3401T>A, p.Val1134Asp (NM_001407296.1); c.3389T>A, p.Val1130Asp (NM_001407297.1); c.3299T>A, p.Val1100Asp (NM_001407298.1); c.3224T>A, p.Val1075Asp (NM_001407299.1); and 3 more; short protein forms V1061D, V1154D, V780D, V805D, V1100D, V1130D, V1134D, V332D.
Identifiers: ClinVar variation 5026147 (VCV005026147.1).
Genomic context (GRCh38, chr16:23,603,559, plus strand): 5'-CCAGCCAGCAAATGAGAGTCTGTACCCGACCATTTCACAAAAGACCAATGTTGGTCAGAG[A>T]CAGGTGGGAGGAGGGCAGTACACTGACCGAGAAGTAAGTCCCAAATGGCAATTGTTCCAG-3'
Protein context (NP_078951.2, residues 1144-1164): LGQCTALLPP[Val1154Asp]SDQHWSFVKW

ClinVar aggregate classification (germline): Uncertain significance (1 of 4 stars; one submission).

Conditions:
Hereditary cancer-predisposing syndrome. Also called: Neoplastic Syndromes, Hereditary; Tumor predisposition; Hereditary neoplastic syndrome; Hereditary Cancer Syndrome. Identifiers: Orphanet 140162, MedGen C0027672, MeSH D009386, MONDO:0015356.

Submission:

Ambry Genetics
Classification: Uncertain significance for Hereditary cancer-predisposing syndrome. Last evaluated: 2026-07-02. Review status: criteria provided, single submitter. Criteria: Ambry Variant Classification Scheme 2023. Collection method: clinical testing. Allele origin: germline.
Comment: The p.V1154D variant (also known as c.3461T>A), located in coding exon 13 of the PALB2 gene, results from a T to A substitution at nucleotide position 3461. The valine at codon 1154 is replaced by aspartic acid, an amino acid with highly dissimilar properties. This amino acid position is conserved. In addition, this alteration is predicted to be tolerated by in silico analysis. Based on the available evidence, the clinical significance of this variant remains unclear.